The following is an entry in ClinVar:

ClinVar aggregate classification (germline): Uncertain significance. Review status: criteria provided, multiple submitters, no conflicts (2 of 4 stars). 3 submissions from 3 submitters: Uncertain significance (3). Last evaluated 2025-06-25.

Conditions:
LZTR1-related schwannomatosis. Also called: Schwannomatosis 2; Schwannomatosis-2, susceptibility to. Identifiers: Orphanet 93921, MedGen C3810283, MONDO:0014299, OMIM 615670.
Hereditary cancer-predisposing syndrome. Also called: Neoplastic Syndromes, Hereditary; Hereditary neoplastic syndrome; Tumor predisposition; Hereditary Cancer Syndrome. Identifiers: Orphanet 140162, MedGen C0027672, MeSH D009386, MONDO:0015356.
Cardiovascular phenotype. Identifiers: MedGen CN230736.

Submissions (3):

Ambry Genetics
Classification: Uncertain significance for Cardiovascular phenotype; Hereditary cancer-predisposing syndrome. Last evaluated: 2025-06-25. Review status: criteria provided, single submitter. Criteria: Ambry Variant Classification Scheme 2023. Collection method: clinical testing. Allele origin: germline.
Comment: The p.W265G variant (also known as c.793T>G), located in coding exon 9 of the LZTR1 gene, results from a T to G substitution at nucleotide position 793. The tryptophan at codon 265 is replaced by glycine, an amino acid with highly dissimilar properties. This amino acid position is conserved. In addition, this alteration is predicted to be deleterious by in silico analysis. Based on the available evidence, the clinical significance of this variant remains unclear.

Baylor Genetics
Classification: Uncertain significance for LZTR1-related schwannomatosis. Last evaluated: 2023-12-25. Review status: criteria provided, single submitter. Criteria: ACMG Guidelines, 2015. Collection method: clinical testing. Allele origin: unknown.

Labcorp Genetics (formerly Invitae), Labcorp
Classification: Uncertain significance. Last evaluated: 2023-02-04. Review status: criteria provided, single submitter. Criteria: Invitae Variant Classification Sherloc (09022015). Collection method: clinical testing. Allele origin: germline.
Comment: In summary, the available evidence is currently insufficient to determine the role of this variant in disease. Therefore, it has been classified as a Variant of Uncertain Significance. Algorithms developed to predict the effect of missense changes on protein structure and function (SIFT, PolyPhen-2, Align-GVGD) all suggest that this variant is likely to be disruptive. This variant has not been reported in the literature in individuals affected with LZTR1-related conditions. This variant is not present in population databases (gnomAD no frequency). This sequence change replaces tryptophan, which is neutral and slightly polar, with glycine, which is neutral and non-polar, at codon 265 of the LZTR1 protein (p.Trp265Gly).

NM_006767.4(LZTR1):c.793T>G (p.Trp265Gly)

Gene: LZTR1 (leucine zipper like post translational regulator 1; plus strand). Cytogenetic location: 22q11.21.
Variant type: single nucleotide variant.
Coding change: c.793T>G on transcript NM_006767.4 (MANE Select); coding-DNA position 793, T replaced by G.
Protein change: p.Trp265Gly; replaces tryptophan 265 with glycine.
Molecular consequence: missense variant.
Genome position (GRCh38, 1-based): chr22:20,991,629, T>G. VCF-style: chr22-20991629-T-G. GRCh37 (hg19) VCF-style: chr22-21345918-T-G.
Other names: c.793T>G (NM_006767.3); short protein forms W265G.
Identifiers: ClinVar variation 2890540 (VCV002890540.5), dbSNP rs2518616920, ClinGen allele CA410781068.
Genomic context (GRCh38, chr22:20,991,629, plus strand): 5'-GCCCCGAGGGTGAGCAGGAGCCCCTGTCCCAGCATTGATTCACTGTTGTGTACCCCCAGG[T>G]GGACACGCATCCCAACTGAACACCTGCTCCGGGGCTCCCCACCACCCCCGCAGCGGCGCT-3'
Protein context (NP_006758.2, residues 255-275): LFQFEFKDKT[Trp265Gly]TRIPTEHLLR